The following is an entry in ClinVar:

ClinVar aggregate classification (germline): Pathogenic (1 of 4 stars; one submission).

Submission:

Labcorp Genetics (formerly Invitae), Labcorp
Classification: Pathogenic. Last evaluated: 2022-05-31. Review status: criteria provided, single submitter. Criteria: Invitae Variant Classification Sherloc (09022015). Collection method: clinical testing. Allele origin: germline.
Comment: This sequence change creates a premature translational stop signal (p.Gly364Valfs*10) in the CNNM4 gene. It is expected to result in an absent or disrupted protein product. Loss-of-function variants in CNNM4 are known to be pathogenic (PMID: 19200525). This variant is not present in population databases (gnomAD no frequency). This premature translational stop signal has been observed in individual(s) with Jalili syndrome (PMID: 27419834). For these reasons, this variant has been classified as Pathogenic.

Literature cited by the submitters: PubMed 19200525; PubMed 27419834.

NM_020184.4(CNNM4):c.1091del (p.Gly364fs)

Gene: CNNM4 (cyclin and CBS domain divalent metal cation transport mediator 4; plus strand). Cytogenetic location: 2q11.2.
Variant type: Deletion.
Coding change: c.1091del on transcript NM_020184.4 (MANE Select); coding-DNA position 1091, one base deleted (G; older notation c.1091delG).
Protein change: p.Gly364fs; shifts the reading frame from glycine 364.
Molecular consequence: frameshift variant.
Genome position (GRCh38, 1-based): chr2:96,762,090, G deleted; the last of 3 consecutive G bases (chr2:96,762,088-96,762,090); deleting any one gives the same sequence. VCF-style (leftmost placement, unchanged base first): chr2-96762087-AG-A. GRCh37 (hg19) VCF-style: chr2-97427824-AG-A.
Other names: short protein forms G364fs.
Identifiers: ClinVar variation 2203115 (VCV002203115.4), dbSNP rs2469455356, ClinGen allele CA2580068348.
Genomic context (GRCh38, chr2:96,762,087, plus strand): 5'-AGATGTTGAAGGTGACGGAGCCCTATAATGACCTCGTGAAAGAGGAGCTCAATATGATCC[AG>A]GGTGCCCTGGAACTACGGACCAAAACTGTAGAGGATATCATGACCCAGCTCCAGGACTGC-3'